The following is an entry in ClinVar:

ClinVar aggregate classification (germline): Uncertain significance. Review status: criteria provided, multiple submitters, no conflicts (2 of 4 stars). 2 submissions from 2 submitters: Uncertain significance (2). Last evaluated 2021-01-25.

Conditions:
Hereditary nonpolyposis colorectal neoplasms. Identifiers: MedGen C0009405, MeSH D003123.
Hereditary cancer-predisposing syndrome. Also called: Hereditary neoplastic syndrome; Neoplastic Syndromes, Hereditary; Hereditary Cancer Syndrome; Tumor predisposition. Identifiers: Orphanet 140162, MedGen C0027672, MeSH D009386, MONDO:0015356.

Allele frequency attached by ClinVar (database versions not stated): gnomAD exomes below 0.00001.

Submissions (2):

Labcorp Genetics (formerly Invitae), Labcorp
Classification: Uncertain significance for Hereditary nonpolyposis colorectal neoplasms. Last evaluated: 2021-01-25. Review status: criteria provided, single submitter. Criteria: Invitae Variant Classification Sherloc (09022015). Collection method: clinical testing. Allele origin: germline.
Comment: This sequence change replaces threonine with isoleucine at codon 689 of the PMS2 protein (p.Thr689Ile). The threonine residue is weakly conserved and there is a moderate physicochemical difference between threonine and isoleucine. In summary, the available evidence is currently insufficient to determine the role of this variant in disease. Therefore, it has been classified as a Variant of Uncertain Significance. Advanced modeling of protein sequence and biophysical properties (such as structural, functional, and spatial information, amino acid conservation, physicochemical variation, residue mobility, and thermodynamic stability) performed at Invitae indicates that this missense variant is not expected to disrupt PMS2 protein function. This variant has not been reported in the literature in individuals with PMS2-related conditions. The frequency data for this variant in the population databases (ExAC) is considered unreliable due to the presence of homologous sequence, such as pseudogenes or paralogs, in the genome.

Ambry Genetics
Classification: Uncertain significance for Hereditary cancer-predisposing syndrome. Last evaluated: 2020-06-11. Review status: criteria provided, single submitter. Criteria: Ambry Variant Classification Scheme 2023. Collection method: clinical testing. Allele origin: germline.
Comment: The p.T689I variant (also known as c.2066C>T), located in coding exon 12 of the PMS2 gene, results from a C to T substitution at nucleotide position 2066. The threonine at codon 689 is replaced by isoleucine, an amino acid with similar properties. This amino acid position is not well conserved in available vertebrate species. In addition, the in silico prediction for this alteration is inconclusive. Since supporting evidence is limited at this time, the clinical significance of this alteration remains unclear.

NM_000535.7(PMS2):c.2066C>T (p.Thr689Ile)

Gene: PMS2 (PMS1 homolog 2, mismatch repair system component; minus strand). Cytogenetic location: 7p22.1.
Variant type: single nucleotide variant.
Coding change: c.2066C>T on transcript NM_000535.7 (MANE Select); coding-DNA position 2066, C replaced by T.
Protein change: p.Thr689Ile; replaces threonine 689 with isoleucine.
Molecular consequence: missense variant. On other transcripts: non-coding transcript variant (1).
Genome position (GRCh38, 1-based): chr7:5,982,932, G>A on the plus strand (C>T on the coding strand, the complement: PMS2 is on the minus strand). VCF-style: chr7-5982932-G-A. GRCh37 (hg19) VCF-style: chr7-6022563-G-A.
Other names: c.1661C>T, p.Thr554Ile (NM_001322003.2, NM_001322004.2, NM_001322005.2 and 1 more transcripts); c.1910C>T, p.Thr637Ile (NM_001322006.2); c.1748C>T, p.Thr583Ile (NM_001322007.2, NM_001322008.2); c.1505C>T, p.Thr502Ile (NM_001322010.2); c.1133C>T, p.Thr378Ile (NM_001322011.2, NM_001322012.2); c.1493C>T, p.Thr498Ile (NM_001322013.2); c.2066C>T, p.Thr689Ile (NM_001322014.2); c.1757C>T, p.Thr586Ile (NM_001322015.2); short protein forms T637I, T498I, T378I, T502I, T554I, T583I, T586I, T689I.
Identifiers: ClinVar variation 1489195 (VCV001489195.10), dbSNP rs1254554953, ClinGen allele CA366738070.